The following is an entry in ClinVar:

ClinVar aggregate classification (germline): Conflicting classifications of pathogenicity. Review status: criteria provided, conflicting classifications (1 of 4 stars). 3 submissions from 3 submitters: Uncertain significance (2); Likely benign (1). Last evaluated 2026-09-01.

Conditions:
Inborn genetic diseases. Identifiers: MedGen C0950123, MeSH D030342.
Coffin-Siris syndrome 11. Identifiers: MedGen C5241442, MONDO:0032912, OMIM 618779.

Allele frequency attached by ClinVar (database versions not stated): gnomAD 0.00007; TOPMed 0.00007; 1000 Genomes Project 30x 0.00016; 1000 Genomes Project 0.00020; ExAC 0.00065.
gnomAD v4.1: 89 of 1,237,842 alleles (0.0072%); highest among the groups gnomAD compares: Middle Eastern, 0.22%; no homozygotes.

Submissions (3):

CeGaT Center for Human Genetics Tuebingen
Classification: Likely benign. Last evaluated: 2026-09-01. Review status: criteria provided, single submitter. Criteria: CeGaT Center For Human Genetics Tuebingen Variant Classification Criteria Version 2. Collection method: clinical testing. Allele origin: germline. Affected: yes. Observed: 1 variant allele.
Comment: SMARCD1: PP3, BS2

MGZ Medical Genetics Center
Classification: Uncertain significance for Coffin-Siris syndrome 11. Last evaluated: 2022-03-30. Review status: criteria provided, single submitter. Criteria: ACMG Guidelines, 2015. Collection method: clinical testing. Allele origin: germline. Affected: yes. Observed: 1 variant allele.
Comment: ACMG criteria applied: PM2_SUP, PP2

Ambry Genetics
Classification: Uncertain significance for Inborn genetic diseases. Last evaluated: 2021-07-09. Review status: criteria provided, single submitter. Criteria: Ambry Variant Classification Scheme 2023. Collection method: clinical testing. Allele origin: germline.

NM_003076.5(SMARCD1):c.142C>G (p.Leu48Val)

Genes: SMARCD1 (SWI/SNF related BAF chromatin remodeling complex subunit D1; plus strand), LOC130007872 (ATAC-STARR-seq lymphoblastoid silent region 4446; plus strand). Cytogenetic location: 12q13.12.
Variant type: single nucleotide variant.
Coding change: c.142C>G on transcript NM_003076.5 (MANE Select); coding-DNA position 142, C replaced by G.
Protein change: p.Leu48Val; replaces leucine 48 with valine.
Molecular consequence: missense variant.
Genome position (GRCh38, 1-based): chr12:50,085,511, C>G. VCF-style: chr12-50085511-C-G. GRCh37 (hg19) VCF-style: chr12-50479294-C-G.
Other names: c.142C>G (NM_003076.4); c.142C>G, p.Leu48Val (NM_139071.3); short protein forms L48V.
Identifiers: ClinVar variation 1709221 (VCV001709221.6), dbSNP rs548902421, ClinGen allele CA6560995.